The following is an entry in ClinVar:

NM_000368.5(TSC1):c.1071TCC[1] (p.Pro359del)

Gene: TSC1 (TSC complex subunit 1; minus strand). Cytogenetic location: 9q34.13.
Variant type: Microsatellite.
Coding change: c.1071TCC[1] on transcript NM_000368.5 (MANE Select); one copy of the 3-base unit TCC starting at c.1071; the reference has two copies in a row; one copy, 3 bases deleted; also written c.1074_1076del.
Protein change: p.Pro359del; deletes proline 359.
Molecular consequence: inframe deletion. On other transcripts: non-coding transcript variant (5).
Genome position (GRCh38, 1-based): chr9:132,911,067-132,911,069, GGA deleted on the plus strand (TCC on the coding strand, the reverse complement: TSC1 is on the minus strand); deleting any 3 consecutive bases within chr9:132,911,067-132,911,073 gives the same sequence; the position shown is the placement nearest the transcript's 3' end. VCF-style (leftmost placement, unchanged base first): chr9-132911066-TGGA-T. GRCh37 (hg19) VCF-style: chr9-135786453-TGGA-T.
Other names: c.1074_1076del (NM_000368.5); c.708TCC[1], p.Pro238del (NM_001362177.2, NM_001406614.1, NM_001406615.1 and 10 more transcripts); c.1071TCC[1], p.Pro359del (NM_001406592.1, NM_001406593.1, NM_001406594.1 and 16 more transcripts); c.918TCC[1], p.Pro308del (NM_001406610.1, NM_001406611.1, NM_001406612.1 and 2 more transcripts); c.120TCC[1], p.Pro42del (NM_001406626.1, NM_001406627.1, NM_001406628.1); c.21TCC[1], p.Pro9del (NM_001406629.1, NM_001406630.1); short protein forms P238del, P308del, P359del, P42del, P9del.
Identifiers: ClinVar variation 4845444 (VCV004845444.1).

ClinVar aggregate classification (germline): Uncertain significance (1 of 4 stars; one submission).

Submission:

Greenwood Genetic Center Diagnostic Laboratories, Greenwood Genetic Center
Classification: Uncertain significance. Last evaluated: 2025-11-06. Review status: criteria provided, single submitter. Criteria: ACMG Guidelines, 2015. Collection method: clinical testing. Allele origin: germline. Affected: yes.
Comment: PM4, PM2